The following is an entry in ClinVar:

ClinVar aggregate classification (germline): Conflicting classifications of pathogenicity. Review status: criteria provided, conflicting classifications (1 of 4 stars). 6 submissions from 6 submitters: Uncertain significance (1); Likely benign (4). 1 of the submissions does not count toward it. Last evaluated 2026-01-25.

Conditions:
Inborn genetic diseases. Identifiers: MedGen C0950123, MeSH D030342.
Mucolipidosis type IV (ML4). Also called: ML IV. Identifiers: Orphanet 578, MedGen C0238286, MONDO:0009653, OMIM 252650.

Allele frequency attached by ClinVar (database versions not stated): TOPMed 0.00007; gnomAD 0.00019; 1000 Genomes Project 0.00020; 1000 Genomes Project 30x 0.00031.
gnomAD v4.1: 51 of 1,613,876 alleles (0.0032%); highest among the groups gnomAD compares: African/African-American, 0.02%; no homozygotes.

Submissions (6):

Labcorp Genetics (formerly Invitae), Labcorp
Classification: Likely benign for Mucolipidosis type IV. Last evaluated: 2026-01-25. Review status: criteria provided, single submitter. Criteria: Invitae Variant Classification Sherloc (09022015). Collection method: clinical testing. Allele origin: germline.

Ambry Genetics
Classification: Likely benign for Inborn genetic diseases. Last evaluated: 2025-05-14. Review status: criteria provided, single submitter. Criteria: Ambry Variant Classification Scheme 2023. Collection method: clinical testing. Allele origin: germline.

Blueprint Genetics
Classification: Likely benign. Last evaluated: 2024-06-28. Review status: criteria provided, single submitter. Criteria: ACMG Guidelines, 2015. Collection method: clinical testing. Allele origin: germline.

CeGaT Center for Human Genetics Tuebingen
Classification: Likely benign. Last evaluated: 2024-05-01. Review status: criteria provided, single submitter. Criteria: CeGaT Center For Human Genetics Tuebingen Variant Classification Criteria Version 2. Collection method: clinical testing. Allele origin: germline. Affected: yes. Observed: 2 variant alleles.
Comment: MCOLN1: BP4, BP7

Illumina Laboratory Services, Illumina
Classification: Uncertain significance for Mucolipidosis type IV. Last evaluated: 2018-01-12. Review status: criteria provided, single submitter. Criteria: ICSL Variant Classification Criteria 13 December 2019. Collection method: clinical testing. Allele origin: germline.

Natera, Inc.
Classification: Likely benign for Mucolipidosis type IV. Last evaluated: 2020-09-16. Review status: no assertion criteria provided. Collection method: clinical testing. Allele origin: germline. Not counted in ClinVar's aggregate classification.

NM_020533.3(MCOLN1):c.60C>T (p.Pro20=)

Gene: MCOLN1 (mucolipin TRP cation channel 1; plus strand). Cytogenetic location: 19p13.2.
Variant type: single nucleotide variant.
Coding change: c.60C>T on transcript NM_020533.3 (MANE Select); coding-DNA position 60, C replaced by T.
Protein change: p.Pro20=; no amino-acid change (proline 20 retained).
Molecular consequence: synonymous variant.
Genome position (GRCh38, 1-based): chr19:7,524,989, C>T. VCF-style: chr19-7524989-C-T. GRCh37 (hg19) VCF-style: chr19-7589875-C-T.
Identifiers: ClinVar variation 330486 (VCV000330486.42), dbSNP rs202247664, ClinGen allele CA9138592.